The following is an entry in ClinVar:

ClinVar aggregate classification (germline): Conflicting classifications of pathogenicity. Review status: criteria provided, conflicting classifications (1 of 4 stars). 5 submissions from 5 submitters: Uncertain significance (1); Likely benign (4). Last evaluated 2025-07-01.

Allele frequency attached by ClinVar (database versions not stated): 1000 Genomes Project 30x 0.00016; 1000 Genomes Project 0.00020; ESP Exome Variant Server 0.00054; gnomAD 0.00061 and 0.00063; TOPMed 0.00062; gnomAD exomes 0.00069; ExAC 0.00077.
gnomAD v4.1: 1,095 of 1,596,090 alleles (0.069%); highest among the groups gnomAD compares: Middle Eastern, 1.1%; 3 homozygotes.

Submissions (5):

CeGaT Center for Human Genetics Tuebingen
Classification: Likely benign. Last evaluated: 2025-07-01. Review status: criteria provided, single submitter. Criteria: CeGaT Center For Human Genetics Tuebingen Variant Classification Criteria Version 2. Collection method: clinical testing. Allele origin: germline. Affected: yes. Observed: 7 variant alleles.
Comment: CENPE: BP4, BS2

Women's Health and Genetics/Laboratory Corporation of America, LabCorp
Classification: Uncertain significance. Last evaluated: 2024-12-30. Review status: criteria provided, single submitter. Criteria: LabCorp Variant Classification Summary - May 2015. Collection method: clinical testing. Allele origin: germline.
Comment: Variant summary: CENPE c.8080G>A (p.Asp2694Asn) results in a conservative amino acid change in the encoded protein sequence. Three of five in-silico tools predict a benign effect of the variant on protein function. The variant allele was found at a frequency of 0.00069 in 243456 control chromosomes. This frequency is not significantly higher than estimated for a pathogenic variant in CENPE causing Microcephaly 13, Primary, Autosomal Recessive, allowing no conclusion about variant significance. c.8080G>A has been reported in the literature in a compound heterozygous individual affected with Type 1 Chiari malformation and as homozugous in a case with unspecified clinical phenotype (Provenzano_2021, Stranneheim_2021). These reports do not provide unequivocal conclusions about association of the variant with Microcephaly 13, Primary, Autosomal Recessive. To our knowledge, no experimental evidence demonstrating an impact on protein function has been reported. The following publications have been ascertained in the context of this evaluation (PMID: 33337535, 33726816). ClinVar contains an entry for this variant (Variation ID: 1216124). Based on the evidence outlined above, the variant was classified as uncertain significance.

Blueprint Genetics
Classification: Likely benign. Last evaluated: 2024-11-22. Review status: criteria provided, single submitter. Criteria: ACMG Guidelines, 2015. Collection method: clinical testing. Allele origin: germline.

GeneDx
Classification: Likely benign. Last evaluated: 2019-08-22. Review status: criteria provided, single submitter. Criteria: GeneDx Variant Classification Process June 2021. Collection method: clinical testing. Allele origin: germline. Affected: yes.
Comment: This variant is associated with the following publications: (PMID: 33337535, 22974711)

Breakthrough Genomics
Classification: Likely benign. Review status: criteria provided, single submitter. Criteria: ACMG Guidelines, 2015. Collection method: not provided. Allele origin: germline. Inheritance: Autosomal recessive inheritance. Affected: yes.

Literature cited by the submitters: PubMed 33726816 (cited by Women's Health and Genetics/Laboratory Corporation of America, LabCorp); PubMed 33337535 (cited by Women's Health and Genetics/Laboratory Corporation of America, LabCorp).

NM_001813.3(CENPE):c.8080G>A (p.Asp2694Asn)

Gene: CENPE (centromere protein E; minus strand). Cytogenetic location: 4q24.
Variant type: single nucleotide variant.
Coding change: c.8080G>A on transcript NM_001813.3 (MANE Select); coding-DNA position 8080, G replaced by A.
Protein change: p.Asp2694Asn; replaces aspartic acid 2694 with asparagine.
Molecular consequence: missense variant.
Genome position (GRCh38, 1-based): chr4:103,106,248, C>T on the plus strand (G>A on the coding strand, the complement: CENPE is on the minus strand). VCF-style: chr4-103106248-C-T. GRCh37 (hg19) VCF-style: chr4-104027405-C-T.
Other names: c.7717G>A, p.Asp2573Asn (NM_001286734.2); short protein forms D2573N, D2694N.
Identifiers: ClinVar variation 1216124 (VCV001216124.29), dbSNP rs61756293, ClinGen allele CA3028981.
Genomic context (GRCh38, chr4:103,106,248, plus strand): 5'-ATGCTGGATCTCCAGAGAAGTGACAAAGAGGAGTCTACTGAGTTTTGCACTCAGGCACAT[C>T]CTTGCCTGAGGAGGCGTGCCAAGGACCTGGCTGAGAATCCACACTCTCTGCTCCTGCATT-3'
Protein context (NP_001804.2, residues 2684-2701): PGPWHASSGK[Asp2694Asn]VPECKTQ